The following is an entry in ClinVar:

ClinVar aggregate classification (germline): Likely pathogenic (1 of 4 stars; one submission).

Submission:

Labcorp Genetics (formerly Invitae), Labcorp
Classification: Likely pathogenic. Last evaluated: 2024-05-15. Review status: criteria provided, single submitter. Criteria: Invitae Variant Classification Sherloc (09022015). Collection method: clinical testing. Allele origin: germline.
Comment: This sequence change affects a donor splice site in intron 21 of the LRP2 gene. It is expected to disrupt RNA splicing. Variants that disrupt the donor or acceptor splice site typically lead to a loss of protein function (PMID: 16199547), and loss-of-function variants in LRP2 are known to be pathogenic (PMID: 17632512, 25682901). This variant is not present in population databases (gnomAD no frequency). This variant has not been reported in the literature in individuals affected with LRP2-related conditions. Algorithms developed to predict the effect of sequence changes on RNA splicing suggest that this variant may disrupt the consensus splice site. In summary, the currently available evidence indicates that the variant is pathogenic, but additional data are needed to prove that conclusively. Therefore, this variant has been classified as Likely Pathogenic.

Literature cited by the submitters: PubMed 16199547; PubMed 17632512; PubMed 25682901.

NM_004525.3(LRP2):c.3190+1G>C

Gene: LRP2 (LDL receptor related protein 2; minus strand). Cytogenetic location: 2q31.1.
Variant type: single nucleotide variant.
Coding change: c.3190+1G>C on transcript NM_004525.3 (MANE Select); the canonical splice donor site of the intron after coding-DNA position 3190, G replaced by C.
Molecular consequence: splice donor variant.
Genome position (GRCh38, 1-based): chr2:169,246,704, C>G on the plus strand (G>C on the coding strand, the complement: LRP2 is on the minus strand). VCF-style: chr2-169246704-C-G. GRCh37 (hg19) VCF-style: chr2-170103214-C-G.
Identifiers: ClinVar variation 3673398 (VCV003673398.2).